The following is an entry in ClinVar:

ClinVar aggregate classification (germline): Uncertain significance. Review status: criteria provided, multiple submitters, no conflicts (2 of 4 stars). 2 submissions from 2 submitters: Uncertain significance (2). Last evaluated 2020-01-21.

Conditions:
X-linked Alport syndrome (ATS1). Also called: NEPHROPATHY AND DEAFNESS, X-LINKED; COL4A5-Related Nephropathy. Identifiers: Orphanet 63, Orphanet 88917, MedGen C4746986, MONDO:0010520, OMIM 301050.

Submissions (2):

Labcorp Genetics (formerly Invitae), Labcorp
Classification: Uncertain significance. Last evaluated: 2020-01-21. Review status: criteria provided, single submitter. Criteria: Invitae Variant Classification Sherloc (09022015). Collection method: clinical testing. Allele origin: germline.
Comment: In summary, the available evidence is currently insufficient to determine the role of this variant in disease. Therefore, it has been classified as a Variant of Uncertain Significance. This sequence change replaces glycine with glutamic acid at codon 814 of the COL4A5 protein (p.Gly814Glu). The glycine residue is highly conserved and there is a moderate physicochemical difference between glycine and glutamic acid. This variant is not present in population databases (ExAC no frequency). This variant has not been reported in the literature in individuals with COL4A5-related conditions. Experimental studies and prediction algorithms are not available or were not evaluated, and the functional significance of this variant is currently unknown.

Department of Nephrology, Rheumatology and Immunology, Shanghai Children's Hospital
Classification: Uncertain significance for X-linked Alport syndrome. Last evaluated: 2019-12-14. Review status: criteria provided, single submitter. Criteria: ACMG Guidelines, 2015. Collection method: clinical testing. Allele origin: paternal. Affected: yes. Observed: 1 variant allele.
Comment: The NM_000495.5(COL4A5):c.2441G>A (p.Gly814Glu) is a missense variant located in a Gly-X-Y repeat of the collagenous domain of COL4A5. This variant is absent in the gnomAD v3.1.2 (GRCh38) population database (PM2). Multiple computational tools predict this variant to have a deleterious effect on the protein product (PP3). In summary, this variant meets criteria to be classified as Uncertain Significance for Alport syndrome based on the ACMG/AMP 2015 criteria applied: PM2, PP1, PP3, PP4.

NM_033380.3(COL4A5):c.2441G>A (p.Gly814Glu)

Gene: COL4A5 (collagen type IV alpha 5 chain; plus strand). Cytogenetic location: Xq22.3.
Variant type: single nucleotide variant.
Coding change: c.2441G>A on transcript NM_033380.3 (MANE Select); coding-DNA position 2441, G replaced by A.
Protein change: p.Gly814Glu; replaces glycine 814 with glutamic acid.
Molecular consequence: missense variant.
Genome position (GRCh38, 1-based): chrX:108,614,956, G>A. VCF-style: chrX-108614956-G-A. GRCh37 (hg19) VCF-style: chrX-107858186-G-A.
Other names: c.2441G>A, p.Gly814Glu (NM_000495.5); short protein forms G814E.
Identifiers: ClinVar variation 1022990 (VCV001022990.10), dbSNP rs2066899797, ClinGen allele CA413849911.